The following is an entry in ClinVar:

NM_001283009.2(RTEL1):c.2572A>G (p.Thr858Ala)

Genes: RTEL1 (regulator of telomere elongation helicase 1; plus strand), RTEL1-TNFRSF6B (RTEL1-TNFRSF6B readthrough (NMD candidate); plus strand). Cytogenetic location: 20q13.33.
Variant type: single nucleotide variant.
Coding change: c.2572A>G on transcript NM_001283009.2 (MANE Select); coding-DNA position 2572, A replaced by G.
Protein change: p.Thr858Ala; replaces threonine 858 with alanine.
Molecular consequence: missense variant. On other transcripts: non-coding transcript variant (1).
Genome position (GRCh38, 1-based): chr20:63,691,757, A>G. VCF-style: chr20-63691757-A-G. GRCh37 (hg19) VCF-style: chr20-62323110-A-G.
Other names: c.1903A>G, p.Thr635Ala (NM_001283010.1); c.2572A>G, p.Thr858Ala (NM_016434.4); c.2644A>G, p.Thr882Ala (NM_032957.5); short protein forms T858A, T882A, T635A.
Identifiers: ClinVar variation 3948224 (VCV003948224.1).

ClinVar aggregate classification (germline): Uncertain significance (1 of 4 stars; one submission).

Conditions:
Inborn genetic diseases. Identifiers: MedGen C0950123, MeSH D030342.

Submission:

Ambry Genetics
Classification: Uncertain significance for Inborn genetic diseases. Last evaluated: 2025-03-16. Review status: criteria provided, single submitter. Criteria: Ambry Variant Classification Scheme 2023. Collection method: clinical testing. Allele origin: germline.
Comment: The p.T858A variant (also known as c.2572A>G), located in coding exon 27 of the RTEL1 gene, results from an A to G substitution at nucleotide position 2572. The threonine at codon 858 is replaced by alanine, an amino acid with similar properties. This amino acid position is conserved. In addition, this alteration is predicted to be tolerated by in silico analysis. Based on the available evidence, the clinical significance of this variant remains unclear.